The following is an entry in ClinVar:

NM_152743.4(BRAT1):c.526A>G (p.Met176Val)

Gene: BRAT1 (BRCA1 associated ATM activator 1; minus strand). Cytogenetic location: 7p22.3.
Variant type: single nucleotide variant.
Coding change: c.526A>G on transcript NM_152743.4 (MANE Select); coding-DNA position 526, A replaced by G.
Protein change: p.Met176Val; replaces methionine 176 with valine.
Molecular consequence: missense variant. On other transcripts: initiator codon variant (1), non-coding transcript variant (1).
Genome position (GRCh38, 1-based): chr7:2,543,867, T>C on the plus strand (A>G on the coding strand, the complement: BRAT1 is on the minus strand). VCF-style: chr7-2543867-T-C. GRCh37 (hg19) VCF-style: chr7-2583501-T-C.
Other names: c.526A>G, p.Met176Val (NM_001350626.2); c.1A>G, p.Met1Val (NM_001350627.2); short protein forms M176V, M1V.
Identifiers: ClinVar variation 472971 (VCV000472971.8), dbSNP rs745837522, ClinGen allele CA4128175.
Genomic context (GRCh38, chr7:2,543,867, plus strand): 5'-GGGCACACGCGGGCCAGTCACCCCCCGGCAGGCAGGGCTGCCCCTCGGCTCCACCTCGCA[T>C]GGACAAAGCCAGGACGTGCACCAGGAGCTGACTGGCCGCCGAGGCCACAAACAGGCTGGA-3'
Protein context (NP_689956.2, residues 166-186): QLLVHVLALS[Met176Val]RGGAEGQPCL

ClinVar aggregate classification (germline): Uncertain significance. Review status: criteria provided, multiple submitters, no conflicts (2 of 4 stars). 2 submissions from 2 submitters: Uncertain significance (2). Last evaluated 2024-11-12.

Conditions:
Neonatal-onset encephalopathy with rigidity and seizures. Also called: Lethal neonatal spasticity-epileptic encephalopathy syndrome. Identifiers: Orphanet 435845, MedGen C3281029, MONDO:0013784, OMIM 614498.

Allele frequency attached by ClinVar (database versions not stated): gnomAD 0.00003; ExAC 0.00001; gnomAD exomes 0.00001 and 0.00002; TOPMed 0.00002.

Submissions (2):

GeneDx
Classification: Uncertain significance. Last evaluated: 2024-11-12. Review status: criteria provided, single submitter. Criteria: GeneDx Variant Classification Process June 2021. Collection method: clinical testing. Allele origin: germline. Affected: yes.
Comment: Not observed at significant frequency in large population cohorts (gnomAD); In silico analysis indicates that this missense variant does not alter protein structure/function; Has not been previously published as pathogenic or benign to our knowledge

Labcorp Genetics (formerly Invitae), Labcorp
Classification: Uncertain significance for Neonatal-onset encephalopathy with rigidity and seizures. Last evaluated: 2022-07-05. Review status: criteria provided, single submitter. Criteria: Invitae Variant Classification Sherloc (09022015). Collection method: clinical testing. Allele origin: germline.
Comment: This sequence change replaces methionine, which is neutral and non-polar, with valine, which is neutral and non-polar, at codon 176 of the BRAT1 protein (p.Met176Val). This variant is present in population databases (rs745837522, gnomAD 0.007%). This variant has not been reported in the literature in individuals affected with BRAT1-related conditions. ClinVar contains an entry for this variant (Variation ID: 472971). Algorithms developed to predict the effect of missense changes on protein structure and function (SIFT, PolyPhen-2, Align-GVGD) all suggest that this variant is likely to be tolerated. In summary, the available evidence is currently insufficient to determine the role of this variant in disease. Therefore, it has been classified as a Variant of Uncertain Significance.